The following is an entry in ClinVar:

ClinVar aggregate classification (germline): Likely benign (1 of 4 stars; one submission).

Submission:

GeneDx
Classification: Likely benign. Last evaluated: 2021-05-12. Review status: criteria provided, single submitter. Criteria: GeneDx Variant Classification Process June 2021. Collection method: clinical testing. Allele origin: germline. Affected: yes.
Comment: See Variant Classification Assertion Criteria.

NM_001142800.2(EYS):c.7411+95dup

Gene: EYS (eyes shut homolog; minus strand). Cytogenetic location: 6q12.
Variant type: Duplication.
Coding change: c.7411+95dup on transcript NM_001142800.2 (MANE Select); 95 bases into the intron after coding-DNA position 7411, one base duplicated (A; older notation c.7411+95dupA).
Molecular consequence: intron variant.
Genome position (GRCh38, 1-based): chr6:63,806,095, T duplicated on the plus strand (A on the coding strand, the reverse complement: EYS is on the minus strand); the first of 8 consecutive T bases (chr6:63,806,095-63,806,102); duplicating any one gives the same sequence. VCF-style (leftmost placement, unchanged base first): chr6-63806094-C-CT. GRCh37 (hg19) VCF-style: chr6-64515987-C-CT.
Other names: c.7411+95dup (NM_001292009.2).
Identifiers: ClinVar variation 1707306 (VCV001707306.2), dbSNP rs138375660, ClinGen allele CA140245730.
Genomic context (GRCh38, chr6:63,806,094, plus strand): 5'-TGGACTACAGCGAACATGCTCAAGGCAGAAAACAGGAGGAGGCTGCATCTAGGCAAAGGT[C>CT]TTTTTTTTACCACAGCCAATTAGAGTGTCCCTGAGGAATCTCTAAAGTATTCTTAAAGGA-3'